The following is an entry in ClinVar:

NM_006828.4(ASCC3):c.4548A>G (p.Ser1516=)

Gene: ASCC3 (activating signal cointegrator 1 complex subunit 3; minus strand). Cytogenetic location: 6q16.3.
Variant type: single nucleotide variant.
Coding change: c.4548A>G on transcript NM_006828.4 (MANE Select); coding-DNA position 4548, A replaced by G.
Protein change: p.Ser1516=; no amino-acid change (serine 1516 retained).
Molecular consequence: synonymous variant.
Genome position (GRCh38, 1-based): chr6:100,627,684, T>C on the plus strand (A>G on the coding strand, the complement: ASCC3 is on the minus strand). VCF-style: chr6-100627684-T-C. GRCh37 (hg19) VCF-style: chr6-101075560-T-C.
Identifiers: ClinVar variation 4875406 (VCV004875406.2).

ClinVar aggregate classification (germline): Likely benign (1 of 4 stars; one submission).

gnomAD v4.1: 2 of 1,613,576 alleles (0.00012%); highest among the groups gnomAD compares: Admixed American, 0.0033%; no homozygotes.

Submission:

CeGaT Center for Human Genetics Tuebingen
Classification: Likely benign. Last evaluated: 2026-06-01. Review status: criteria provided, single submitter. Criteria: CeGaT Center For Human Genetics Tuebingen Variant Classification Criteria Version 2. Collection method: clinical testing. Allele origin: germline. Affected: yes. Observed: 1 variant allele.
Comment: ASCC3: BP4, BP7